The following is an entry in ClinVar:

NM_001170629.2(CHD8):c.1701A>T (p.Glu567Asp)

Gene: CHD8 (chromodomain helicase DNA binding protein 8; minus strand). Cytogenetic location: 14q11.2.
Variant type: single nucleotide variant.
Coding change: c.1701A>T on transcript NM_001170629.2 (MANE Select); coding-DNA position 1701, A replaced by T.
Protein change: p.Glu567Asp; replaces glutamic acid 567 with aspartic acid.
Molecular consequence: missense variant.
Genome position (GRCh38, 1-based): chr14:21,426,143, T>A on the plus strand (A>T on the coding strand, the complement: CHD8 is on the minus strand). VCF-style: chr14-21426143-T-A. GRCh37 (hg19) VCF-style: chr14-21894302-T-A.
Other names: c.864A>T, p.Glu288Asp (NM_020920.4); short protein forms E567D, E288D.
Identifiers: ClinVar variation 3719779 (VCV003719779.2).

ClinVar aggregate classification (germline): Uncertain significance (1 of 4 stars; one submission).

Submission:

Labcorp Genetics (formerly Invitae), Labcorp
Classification: Uncertain significance. Last evaluated: 2024-02-14. Review status: criteria provided, single submitter. Criteria: Invitae Variant Classification Sherloc (09022015). Collection method: clinical testing. Allele origin: germline.
Comment: This sequence change replaces glutamic acid, which is acidic and polar, with aspartic acid, which is acidic and polar, at codon 567 of the CHD8 protein (p.Glu567Asp). This variant is not present in population databases (gnomAD no frequency). This variant has not been reported in the literature in individuals affected with CHD8-related conditions. Advanced modeling of protein sequence and biophysical properties (such as structural, functional, and spatial information, amino acid conservation, physicochemical variation, residue mobility, and thermodynamic stability) performed at Invitae indicates that this missense variant is not expected to disrupt CHD8 protein function with a negative predictive value of 80%. In summary, the available evidence is currently insufficient to determine the role of this variant in disease. Therefore, it has been classified as a Variant of Uncertain Significance.